The following is an entry in ClinVar:

NM_000376.3(VDR):c.*308C>A

Gene: VDR (vitamin D receptor; minus strand). Cytogenetic location: 12q13.11.
Variant type: single nucleotide variant.
Coding change: c.*308C>A on transcript NM_000376.3 (MANE Select); 308 bases downstream of the stop codon, C replaced by A.
Molecular consequence: 3 prime UTR variant.
Genome position (GRCh38, 1-based): chr12:47,844,438, G>T on the plus strand (C>A on the coding strand, the complement: VDR is on the minus strand). VCF-style: chr12-47844438-G-T. GRCh37 (hg19) VCF-style: chr12-48238221-G-T.
Other names: c.*308C>A (NM_001017535.2, NM_001017536.2, NM_001374661.1 and 1 more transcripts); c.*107C>A (NM_001364085.2).
Identifiers: ClinVar variation 308868 (VCV000308868.8), dbSNP rs739837, ClinGen allele CA10642313.

ClinVar aggregate classification (germline): Benign. Review status: criteria provided, multiple submitters, no conflicts (2 of 4 stars). 4 submissions from 4 submitters: Benign (3). 1 of the submissions does not count toward it. Last evaluated 2018-08-16.

Conditions:
Vitamin D-dependent rickets type II with alopecia (VDDR2A). Also called: HYPOCALCEMIC VITAMIN D-RESISTANT RICKETS; Vitamin D-dependent rickets, type 2A; PDDR IIA; PSEUDOVITAMIN D-DEFICIENCY, TYPE IIA; RICKETS, HEREDITARY VITAMIN D-RESISTANT; RICKETS-ALOPECIA SYNDROME. Identifiers: Orphanet 93160, MedGen C0342646, MONDO:0010186, OMIM 277440.
Periodontitis. Identifiers: MedGen C0031099, MONDO:0005076, HP:0000704.

Allele frequency attached by ClinVar (database versions not stated): 1000 Genomes Project 0.49421; 1000 Genomes Project 30x 0.49469; TOPMed 0.52436; gnomAD 0.52925 and 0.53268.
gnomAD v4.1: 280,848 of 539,752 alleles (52%); highest among the groups gnomAD compares: Middle Eastern, 62%; 74,564 homozygotes.

Submissions (4):

GeneDx
Classification: Benign. Last evaluated: 2018-08-16. Review status: criteria provided, single submitter. Criteria: GeneDx Variant Classification Process June 2021. Collection method: clinical testing. Allele origin: germline. Affected: yes.
Comment: This variant is associated with the following publications: (PMID: 29241179)

Illumina Laboratory Services, Illumina
Classification: Benign for Vitamin D-dependent rickets type II with alopecia. Last evaluated: 2018-01-13. Review status: criteria provided, single submitter. Criteria: ICSL Variant Classification Criteria 13 December 2019. Collection method: clinical testing. Allele origin: germline.
Comment: This variant was observed in the ICSL laboratory as part of a predisposition screen in an ostensibly healthy population. It had not been previously curated by ICSL or reported in the Human Gene Mutation Database (HGMD: prior to June 1st, 2018), and was therefore a candidate for classification through an automated scoring system. Utilizing variant allele frequency, disease prevalence and penetrance estimates, and inheritance mode, an automated score was calculated to assess if this variant is too frequent to cause the disease. Based on the score and internal cut-off values, a variant classified as benign is not then subjected to further curation. The score for this variant resulted in a classification of benign for this disease.

Breakthrough Genomics
Classification: Benign. Review status: criteria provided, single submitter. Criteria: ACMG Guidelines, 2015. Collection method: not provided. Allele origin: germline. Inheritance: Autosomal recessive inheritance. Affected: yes.

Genetics Laboratory, Lanzhou University
Classification: Benign for periodontitis. Last evaluated: 2023-04-20. Review status: no assertion criteria provided. Collection method: case-control. Allele origin: germline. Affected: yes. Not counted in ClinVar's aggregate classification.